The following is an entry in ClinVar:

ClinVar aggregate classification (germline): Uncertain significance. Review status: criteria provided, multiple submitters, no conflicts (2 of 4 stars). 3 submissions from 3 submitters: Uncertain significance (3). Last evaluated 2026-02-23.

Conditions:
Hereditary cancer-predisposing syndrome. Also called: Hereditary Cancer Syndrome; Tumor predisposition; Neoplastic Syndromes, Hereditary; Hereditary neoplastic syndrome. Identifiers: Orphanet 140162, MedGen C0027672, MeSH D009386, MONDO:0015356.
Gorlin syndrome. Also called: Nevoid Basal Cell Carcinoma Syndrome; Basal cell nevus syndrome. Identifiers: Orphanet 377, MedGen C0004779, MONDO:0007187.
Medulloblastoma (MDB). Also called: MEDULLOBLASTOMA PREDISPOSITION SYNDROME; Medulloblastoma, somatic. Identifiers: Orphanet 616, MedGen C0025149, MeSH D008527, MONDO:0007959, OMIM 155255, HP:0002885.
Familial meningioma. Also called: Meningioma, familial, susceptibility to. Identifiers: Orphanet 263662, MedGen C3551915, MONDO:0011789, OMIM 607174.

Submissions (3):

Ambry Genetics
Classification: Uncertain significance for Hereditary cancer-predisposing syndrome. Last evaluated: 2026-02-23. Review status: criteria provided, single submitter. Criteria: Ambry Variant Classification Scheme 2023. Collection method: clinical testing. Allele origin: germline.
Comment: The c.52_75del24 variant (also known as p.P18_A25del) is located in coding exon 1 of the SUFU gene. This variant results from an in-frame CCTGGCCCGACTGCCCCCCCGGCC deletion at nucleotide positions 52 to 75. This results in the in-frame deletion of 8 residues at codons 18 to 25. This amino acid region is not well conserved in available vertebrate species. Based on the available evidence, the clinical significance of this variant remains unclear.

Labcorp Genetics (formerly Invitae), Labcorp
Classification: Uncertain significance for Gorlin syndrome; Medulloblastoma. Last evaluated: 2025-04-07. Review status: criteria provided, single submitter. Criteria: Invitae Variant Classification Sherloc (09022015). Collection method: clinical testing. Allele origin: germline.
Comment: This variant, c.52_75del, results in the deletion of 8 amino acid(s) of the SUFU protein (p.Pro18_Ala25del), but otherwise preserves the integrity of the reading frame. This variant is not present in population databases (gnomAD no frequency). This variant has not been reported in the literature in individuals affected with SUFU-related conditions. ClinVar contains an entry for this variant (Variation ID: 835932). Experimental studies and prediction algorithms are not available or were not evaluated, and the functional significance of this variant is currently unknown. In summary, the available evidence is currently insufficient to determine the role of this variant in disease. Therefore, it has been classified as a Variant of Uncertain Significance.

Baylor Genetics
Classification: Uncertain significance for Familial meningioma. Last evaluated: 2024-01-22. Review status: criteria provided, single submitter. Criteria: ACMG Guidelines, 2015. Collection method: clinical testing. Allele origin: unknown.

NM_016169.4(SUFU):c.52_75del (p.10_17PGPTAPPA[1])

Genes: SUFU (SUFU negative regulator of hedgehog signaling; plus strand), LOC130004614 (ATAC-STARR-seq lymphoblastoid silent region 2764; plus strand). Cytogenetic location: 10q24.32.
Variant type: Deletion.
Coding change: c.52_75del on transcript NM_016169.4 (MANE Select); coding-DNA positions 52 to 75, 24 bases deleted (CCTGGCCCGACTGCCCCCCCGGCC).
Protein change: p.10_17PGPTAPPA[1].
Molecular consequence: inframe deletion.
Genome position (GRCh38, 1-based): chr10:102,504,204-102,504,227, CCTGGCCCGACTGCCCCCCCGGCC deleted; deleting any 24 consecutive bases within chr10:102,504,195-102,504,227 gives the same sequence; the c. name uses the placement nearest the transcript's 3' end. VCF-style (leftmost placement, unchanged base first): chr10-102504194-GCCCCCGGCCCCTGGCCCGACTGCC-G. GRCh37 (hg19) VCF-style: chr10-104263951-GCCCCCGGCCCCTGGCCCGACTGCC-G.
Other names: c.52_75del, p.10_17PGPTAPPA[1] (NM_001178133.2); c.52_75del24 (NM_016169.3).
Identifiers: ClinVar variation 835932 (VCV000835932.12), dbSNP rs1426839991, ClinGen allele CA659052198.
Genomic context (GRCh38, chr10:102,504,194, plus strand): 5'-GCCTGCCCTACGCACCCCGATGGCGGAGCTGCGGCCTAGCGGCGCCCCCGGCCCCACCGC[GCCCCCGGCCCCTGGCCCGACTGCC>G]CCCCCGGCCTTCGCTTCGCTCTTTCCCCCGGGACTGCACGCCATCTACGGAGAGTGCCGC-3'